The following is an entry in ClinVar:

ClinVar aggregate classification (germline): Benign/Likely benign. Review status: criteria provided, multiple submitters, no conflicts (2 of 4 stars). 3 submissions from 3 submitters: Benign (1); Likely benign (2). Last evaluated 2025-12-08.

Conditions:
Hereditary cancer-predisposing syndrome. Also called: Hereditary Cancer Syndrome; Neoplastic Syndromes, Hereditary; Tumor predisposition; Hereditary neoplastic syndrome. Identifiers: Orphanet 140162, MedGen C0027672, MeSH D009386, MONDO:0015356.
BAP1-related tumor predisposition syndrome (TPDS1). Also called: Tumor susceptibility linked to germline BAP1 mutations; BAP1 tumor predisposition syndrome; COMMON Syndrome; TUMOR PREDISPOSITION SYNDROME 1. Identifiers: Orphanet 289539, MedGen C3280492, MONDO:0013692, OMIM 614327.

Allele frequency attached by ClinVar (database versions not stated): ExAC 0.00001; TOPMed 0.00006; ESP Exome Variant Server 0.00015.
gnomAD v4.1: 42 of 1,612,742 alleles (0.0026%); highest among the groups gnomAD compares: Non-Finnish European, 0.0033%; no homozygotes.

Submissions (3):

Labcorp Genetics (formerly Invitae), Labcorp
Classification: Likely benign for BAP1-related tumor predisposition syndrome. Last evaluated: 2025-12-08. Review status: criteria provided, single submitter. Criteria: Invitae Variant Classification Sherloc (09022015). Collection method: clinical testing. Allele origin: germline.

Myriad Genetics, Inc.
Classification: Benign for BAP1-related tumor predisposition syndrome. Last evaluated: 2024-07-15. Review status: criteria provided, single submitter. Criteria: Myriad Autosomal Dominant, Autosomal Recessive and X-Linked Classification Criteria (2023). Collection method: clinical testing. Allele origin: unknown.
Comment: This variant is considered benign. This variant is intronic and is not expected to impact mRNA splicing. This variant has been observed at a population frequency that is significantly greater than expected given the associated disease prevalence and penetrance.

Color Diagnostics, LLC DBA Color Health
Classification: Likely benign for Hereditary cancer-predisposing syndrome. Last evaluated: 2016-07-25. Review status: criteria provided, single submitter. Criteria: ACMG Guidelines, 2015. Collection method: clinical testing. Allele origin: germline.

NM_004656.4(BAP1):c.932-20G>C

Gene: BAP1 (BRCA1 associated deubiquitinase 1; minus strand). Cytogenetic location: 3p21.1.
Variant type: single nucleotide variant.
Coding change: c.932-20G>C on transcript NM_004656.4 (MANE Select); 20 bases into the intron before coding-DNA position 932, G replaced by C.
Molecular consequence: intron variant.
Genome position (GRCh38, 1-based): chr3:52,405,314, C>G on the plus strand (G>C on the coding strand, the complement: BAP1 is on the minus strand). VCF-style: chr3-52405314-C-G. GRCh37 (hg19) VCF-style: chr3-52439330-C-G.
Identifiers: ClinVar variation 490908 (VCV000490908.12), dbSNP rs368720650, ClinGen allele CA2436950.